The following is an entry in ClinVar:

ClinVar aggregate classification (germline): Likely benign (0 of 4 stars; one submission).

Conditions:
TRPM4-related disorder. Also called: TRPM4-related disorders; TRPM4-related condition. Identifiers: MedGen CN239424.

Allele frequency attached by ClinVar (database versions not stated): gnomAD 0.00001.
gnomAD v4.1: 3 of 1,613,654 alleles (0.00019%); highest among the groups gnomAD compares: Middle Eastern, 0.034%; no homozygotes.

Submission:

PreventionGenetics, part of Exact Sciences
Classification: Likely benign for TRPM4-related condition. Last evaluated: 2019-07-12. Review status: no assertion criteria provided. Collection method: clinical testing. Allele origin: germline.
Comment: This variant is classified as likely benign based on ACMG/AMP sequence variant interpretation guidelines (Richards et al. 2015 PMID: 25741868, with internal and published modifications).

NM_017636.4(TRPM4):c.2953+7G>A

Gene: TRPM4 (transient receptor potential cation channel subfamily M member 4; plus strand). Cytogenetic location: 19q13.33.
Variant type: single nucleotide variant.
Coding change: c.2953+7G>A on transcript NM_017636.4 (MANE Select); 7 bases into the intron after coding-DNA position 2953, G replaced by A.
Molecular consequence: intron variant.
Genome position (GRCh38, 1-based): chr19:49,200,792, G>A. VCF-style: chr19-49200792-G-A. GRCh37 (hg19) VCF-style: chr19-49704049-G-A.
Other names: c.2518+7G>A (NM_001195227.2); c.1345+7G>A (NM_001321282.2); c.2608+7G>A (NM_001321281.2); c.2431+7G>A (NM_001321283.2); c.1891+7G>A (NM_001321285.2).
Identifiers: ClinVar variation 3050336 (VCV003050336.2), dbSNP rs1968900598, ClinGen allele CA2340289669.
Genomic context (GRCh38, chr19:49,200,792, plus strand): 5'-TCTACCGTCCCTACCTGCAGATCTTCGGGCAGATTCCCCAGGAGGACATGGACGGTAGGG[G>A]GGATGACGGCCTGACAGCCTTCCTCTGAGTCTCTGTCCCCGCTCCCTGGGTCTCTGTCCT-3'